The following is an entry in ClinVar:

NM_004612.4(TGFBR1):c.643C>T (p.Arg215Ter)

Gene: TGFBR1 (transforming growth factor beta receptor 1; plus strand). Cytogenetic location: 9q22.33.
Variant type: single nucleotide variant.
Coding change: c.643C>T on transcript NM_004612.4 (MANE Select); coding-DNA position 643, C replaced by T.
Protein change: p.Arg215Ter; replaces arginine 215 with a stop codon.
Molecular consequence: nonsense. On other transcripts: non-coding transcript variant (4), intron variant (2).
Genome position (GRCh38, 1-based): chr9:99,137,927, C>T. VCF-style: chr9-99137927-C-T. GRCh37 (hg19) VCF-style: chr9-101900209-C-T.
Other names: c.412C>T, p.Arg138Ter (NM_001130916.3); c.655C>T, p.Arg219Ter (NM_001306210.2, NM_001407416.1); c.643C>T, p.Arg215Ter (NM_001407417.1); c.448C>T, p.Arg150Ter (NM_001407418.1, NM_001407419.1, NM_001407420.1 and 1 more transcripts); c.436C>T, p.Arg146Ter (NM_001407433.1, NM_001407434.1, NM_001407423.1 and 8 more transcripts); c.397C>T, p.Arg133Ter (NM_001407436.1); c.166C>T, p.Arg56Ter (NM_001407438.1); c.575-4609C>T (NM_001407435.1); and 1 more; short protein forms R146*, R215*, R133*, R150*, R219*, R138*, R56*.
Identifiers: ClinVar variation 2802605 (VCV002802605.5), dbSNP rs2118711701, ClinGen allele CA374229539.

ClinVar aggregate classification (germline): Conflicting classifications of pathogenicity. Review status: criteria provided, conflicting classifications (1 of 4 stars). 3 submissions from 3 submitters: Pathogenic (2); Uncertain significance (1). Last evaluated 2025-09-12.

Conditions:
Familial thoracic aortic aneurysm and aortic dissection (TAAD). Also called: Thoracic aortic aneurysms and dissections. Identifiers: Orphanet 91387, MedGen C4707243, MONDO:0019625.
Loeys-Dietz syndrome 1 (LDS1). Also called: TGFBR1-Related Loeys-Dietz Syndrome; FURLONG SYNDROME; AORTIC ANEURYSM, FAMILIAL THORACIC 5. Identifiers: Orphanet 60030, MedGen C4551955, MONDO:0012212, OMIM 609192.

Submissions (3):

Color Diagnostics, LLC DBA Color Health
Classification: Uncertain significance for Familial thoracic aortic aneurysm and aortic dissection. Last evaluated: 2025-09-12. Review status: criteria provided, single submitter. Criteria: ACMG Guidelines, 2015. Collection method: clinical testing. Allele origin: germline.
Comment: This variant causes a C to T nucleotide substitution at codon 215 in the TGFBR1 gene, creating a premature translation stop signal. This variant is expected to result in an absent or non-functional protein product. To our knowledge, this variant has not been reported in individuals affected with TGFBR1-related disorders in the literature. This variant has not been identified in the general population by the Genome Aggregation Database (gnomAD). Clinical relevance of loss-of-function TGFBR1 truncation variants in autosomal dominant cardiovascular disorders is not clearly established. The available evidence is insufficient to determine the role of this variant in disease conclusively. Therefore, this variant is classified as a Variant of Uncertain Significance.

3billion
Classification: Pathogenic for Loeys-Dietz syndrome 1. Last evaluated: 2024-11-27. Review status: criteria provided, single submitter. Criteria: ACMG Guidelines, 2015. Collection method: clinical testing. Allele origin: germline. Affected: yes.
Comment: The variant is not observed in the gnomAD v4.1.0 dataset. Predicted Consequence/Location: Stop-gained (nonsense): predicted to result in a loss or disruption of normal protein function through nonsense-mediated decay (NMD) or protein truncation. Multiple pathogenic variants are reported downstream of the variant. The variant has been reported to be associated with TGFBR1 related disorder (ClinVar ID: VCV002802605). Therefore, this variant is classified as Pathogenic according to the recommendation of ACMG/AMP guideline.

Labcorp Genetics (formerly Invitae), Labcorp
Classification: Pathogenic for Familial thoracic aortic aneurysm and aortic dissection. Last evaluated: 2023-01-08. Review status: criteria provided, single submitter. Criteria: Invitae Variant Classification Sherloc (09022015). Collection method: clinical testing. Allele origin: germline.
Comment: For these reasons, this variant has been classified as Pathogenic. This variant has not been reported in the literature in individuals affected with TGFBR1-related conditions. This variant is not present in population databases (gnomAD no frequency). This sequence change creates a premature translational stop signal (p.Arg215*) in the TGFBR1 gene. It is expected to result in an absent or disrupted protein product. Loss-of-function variants in TGFBR1 are known to be pathogenic (PMID: 21358634).

Literature cited by the submitters: PubMed 21358634 (cited by Labcorp Genetics (formerly Invitae), Labcorp).